The following is an entry in ClinVar:

ClinVar aggregate classification (germline): Uncertain significance (1 of 4 stars; one submission).

Allele frequency attached by ClinVar (database versions not stated): TOPMed below 0.00001; gnomAD exomes 0.00002.
gnomAD v4.1: 27 of 1,613,256 alleles (0.0017%); highest among the groups gnomAD compares: Non-Finnish European, 0.0023%; no homozygotes.

Submission:

Labcorp Genetics (formerly Invitae), Labcorp
Classification: Uncertain significance. Last evaluated: 2022-09-24. Review status: criteria provided, single submitter. Criteria: Invitae Variant Classification Sherloc (09022015). Collection method: clinical testing. Allele origin: germline.
Comment: This variant has not been reported in the literature in individuals affected with MYH7B-related conditions. This variant is present in population databases (no rsID available, gnomAD 0.002%). In summary, the available evidence is currently insufficient to determine the role of this variant in disease. Therefore, it has been classified as a Variant of Uncertain Significance. This sequence change replaces alanine, which is neutral and non-polar, with threonine, which is neutral and polar, at codon 430 of the MYH7B protein (p.Ala430Thr). Advanced modeling of protein sequence and biophysical properties (such as structural, functional, and spatial information, amino acid conservation, physicochemical variation, residue mobility, and thermodynamic stability) performed at Invitae indicates that this missense variant is not expected to disrupt MYH7B protein function.

NM_020884.7(MYH7B):c.1162G>A (p.Ala388Thr)

Gene: MYH7B (myosin heavy chain 7B; plus strand). Cytogenetic location: 20q11.22.
Variant type: single nucleotide variant.
Coding change: c.1162G>A on transcript NM_020884.7 (MANE Select); coding-DNA position 1162, G replaced by A.
Protein change: p.Ala388Thr; replaces alanine 388 with threonine.
Molecular consequence: missense variant.
Genome position (GRCh38, 1-based): chr20:34,987,571, G>A. VCF-style: chr20-34987571-G-A. GRCh37 (hg19) VCF-style: chr20-33575374-G-A.
Other names: short protein forms A388T.
Identifiers: ClinVar variation 1917767 (VCV001917767.5), dbSNP rs1174682906, ClinGen allele CA408701457.